The following is an entry in ClinVar:

NM_000257.4(MYH7):c.3536A>T (p.Glu1179Val)

Gene: MYH7 (myosin heavy chain 7; minus strand). Cytogenetic location: 14q11.2.
Variant type: single nucleotide variant.
Coding change: c.3536A>T on transcript NM_000257.4 (MANE Select); coding-DNA position 3536, A replaced by T.
Protein change: p.Glu1179Val; replaces glutamic acid 1179 with valine.
Molecular consequence: missense variant.
Genome position (GRCh38, 1-based): chr14:23,420,035, T>A on the plus strand (A>T on the coding strand, the complement: MYH7 is on the minus strand). VCF-style: chr14-23420035-T-A. GRCh37 (hg19) VCF-style: chr14-23889244-T-A.
Other names: c.3536A>T, p.Glu1179Val (NM_001407004.1); short protein forms E1179V.
Identifiers: ClinVar variation 2773921 (VCV002773921.2), dbSNP rs2502264510, ClinGen allele CA389043558.

ClinVar aggregate classification (germline): Uncertain significance (1 of 4 stars; one submission).

Conditions:
Cardiomyopathy (CMYO). Also called: Cardiomyopathies. Identifiers: Orphanet 167848, MedGen C0878544, MONDO:0004994, HP:0001638. Inheritance: Various modes of inheritance.

Submission:

Color Diagnostics, LLC DBA Color Health
Classification: Uncertain significance for Cardiomyopathy. Last evaluated: 2024-03-06. Review status: criteria provided, single submitter. Criteria: ACMG Guidelines, 2015. Collection method: clinical testing. Allele origin: germline.
Comment: This missense variant replaces glutamic acid with valine at codon 1179 of the MYH7 protein. Computational prediction suggests that this variant may have deleterious impact on protein structure and function (internally defined REVEL score threshold >= 0.7, PMID: 27666373). To our knowledge, functional studies have not been reported for this variant. This variant has not been reported in individuals affected with cardiovascular disorders in the literature. This variant has not been identified in the general population by the Genome Aggregation Database (gnomAD). The available evidence is insufficient to determine the role of this variant in disease conclusively. Therefore, this variant is classified as a Variant of Uncertain Significance.